The following is an entry in ClinVar:

ClinVar aggregate classification (germline): Likely benign (1 of 4 stars; one submission).

Allele frequency attached by ClinVar (database versions not stated): 1000 Genomes Project 30x 0.00047; 1000 Genomes Project 0.00060; ESP Exome Variant Server 0.00069.
gnomAD v4.1: 230 of 1,614,154 alleles (0.014%); highest among the groups gnomAD compares: African/African-American, 0.27%; no homozygotes.

Submission:

CeGaT Center for Human Genetics Tuebingen
Classification: Likely benign. Last evaluated: 2023-02-01. Review status: criteria provided, single submitter. Criteria: CeGaT Center For Human Genetics Tuebingen Variant Classification Criteria Version 2. Collection method: clinical testing. Allele origin: germline. Affected: yes. Observed: 1 variant allele.
Comment: SPTBN1: BP4, BP7, BS1

NM_003128.3(SPTBN1):c.7026C>G (p.Pro2342=)

Genes: SPTBN1 (spectrin beta, non-erythrocytic 1; plus strand), SPTBN1-AS2 (SPTBN1 antisense RNA 2; minus strand). Cytogenetic location: 2p16.2.
Variant type: single nucleotide variant.
Coding change: c.7026C>G on transcript NM_003128.3 (MANE Select); coding-DNA position 7026, C replaced by G.
Protein change: p.Pro2342=; no amino-acid change (proline 2342 retained).
Molecular consequence: synonymous variant.
Genome position (GRCh38, 1-based): chr2:54,668,500, C>G. VCF-style: chr2-54668500-C-G. GRCh37 (hg19) VCF-style: chr2-54895637-C-G.
Identifiers: ClinVar variation 2650935 (VCV002650935.24), dbSNP rs2229504, ClinGen allele CA1661914.